The following is an entry in ClinVar:

NM_000321.3(RB1):c.898A>T (p.Met300Leu)

Gene: RB1 (RB transcriptional corepressor 1; plus strand). Cytogenetic location: 13q14.2.
Variant type: single nucleotide variant.
Coding change: c.898A>T on transcript NM_000321.3 (MANE Select); coding-DNA position 898, A replaced by T.
Protein change: p.Met300Leu; replaces methionine 300 with leucine.
Molecular consequence: missense variant.
Genome position (GRCh38, 1-based): chr13:48,364,930, A>T. VCF-style: chr13-48364930-A-T. GRCh37 (hg19) VCF-style: chr13-48939066-A-T.
Other names: c.898A>T, p.Met300Leu (NM_001407165.1, NM_001407166.1); short protein forms M300L.
Identifiers: ClinVar variation 3313075 (VCV003313075.1).

ClinVar aggregate classification (germline): Uncertain significance (1 of 4 stars; one submission).

Conditions:
Hereditary cancer-predisposing syndrome. Also called: Neoplastic Syndromes, Hereditary; Tumor predisposition; Hereditary neoplastic syndrome; Hereditary Cancer Syndrome. Identifiers: Orphanet 140162, MedGen C0027672, MeSH D009386, MONDO:0015356.

gnomAD v4.1: 2 of 1,569,244 alleles (0.00013%); highest among the groups gnomAD compares: Admixed American, 0.0018%; no homozygotes.

Submission:

Ambry Genetics
Classification: Uncertain significance for Hereditary cancer-predisposing syndrome. Last evaluated: 2024-06-15. Review status: criteria provided, single submitter. Criteria: Ambry Variant Classification Scheme 2023. Collection method: clinical testing. Allele origin: germline.
Comment: The p.M300L variant (also known as c.898A>T), located in coding exon 9 of the RB1 gene, results from an A to T substitution at nucleotide position 898. The methionine at codon 300 is replaced by leucine, an amino acid with highly similar properties. This amino acid position is conserved. In addition, this alteration is predicted to be tolerated by in silico analysis. Based on the available evidence, the clinical significance of this variant remains unclear.